The following is an entry in ClinVar:

ClinVar aggregate classification (germline): Pathogenic. Review status: criteria provided, multiple submitters, no conflicts (2 of 4 stars). 3 submissions from 3 submitters: Pathogenic (3). Last evaluated 2024-06-30.

Conditions:
Inborn genetic diseases. Identifiers: MedGen C0950123, MeSH D030342.
Poirier-Bienvenu neurodevelopmental syndrome (POBINDS). Identifiers: Orphanet 689397, MedGen C5231482, MONDO:0032889, OMIM 618732.

Submissions (3):

GeneDx
Classification: Pathogenic. Last evaluated: 2024-06-30. Review status: criteria provided, single submitter. Criteria: GeneDx Variant Classification Process June 2021. Collection method: clinical testing. Allele origin: germline. Affected: yes.
Comment: Nonsense variant predicted to result in protein truncation or nonsense mediated decay in a gene for which loss of function is a known mechanism of disease; Not observed at significant frequency in large population cohorts (gnomAD); This variant is associated with the following publications: (PMID: 28585349, 34041744, 31780880)

Ambry Genetics
Classification: Pathogenic for Inborn genetic diseases. Last evaluated: 2024-06-05. Review status: criteria provided, single submitter. Criteria: Ambry Variant Classification Scheme 2023. Collection method: clinical testing. Allele origin: germline.
Comment: The c.124C>T (p.Q42*) alteration, located in exon 3 (coding exon 2) of the CSNK2B gene, consists of a C to T substitution at nucleotide position 124. This changes the amino acid from a glutamine (Q) to a stop codon at amino acid position 42. This alteration is expected to result in loss of function by premature protein truncation or nonsense-mediated mRNA decay. The CSNK2B c.124C>T alteration was flagged as a low confidence call in the Genome Aggregation Database (gnomAD). This variant has been determined to be the result of a de novo mutation in two individuals with features consistent with autosomal dominant CSNK2B-related neurodevelopmental disorder (Fern&aacute;ndez-Marmiesse, 2019; Ernst, 2021). Based on the available evidence, this alteration is classified as pathogenic.

Division Of Personalized Genomic Medicine, Columbia University Irving Medical Center
Classification: Pathogenic for Poirier-Bienvenu neurodevelopmental syndrome. Last evaluated: 2019-10-21. Review status: criteria provided, single submitter. Criteria: ACMG Guidelines, 2015. Collection method: clinical testing. Allele origin: de novo. Inheritance: Autosomal dominant inheritance. Affected: yes. Observed: 1 heterozygote.
Comment: The variant identified is a heterozygous nonsense variant that has not been reported in the Genome Aggregation Database, indicating that it is not a common benign occurrence in the populations represented therein. This variant is therefore de novo. To the best of our knowledge, currently this variant has not been described to be associated with disease. However, the p.Gln42Ter is a premature nonsense mutation and as such is predicted to cause a truncated or absent CSNK2B protein due to nonsense mediated decay. Null variants associated with disease have been described distal to this variant [PMID: 28585349]. Loss- of- function mutations in CSNK2B have been described to be causative of autosomal dominant intellectual disability with or without myoclonic epilepsy.

Literature cited by the submitters: PubMed 31780880 (cited by Ambry Genetics); PubMed 34041744 (cited by Ambry Genetics); PubMed 28585349 (cited by Division Of Personalized Genomic Medicine, Columbia University Irving Medical Center).

NM_001320.7(CSNK2B):c.124C>T (p.Gln42Ter)

Gene: CSNK2B (casein kinase 2 beta; plus strand). Cytogenetic location: 6p21.33.
Variant type: single nucleotide variant.
Coding change: c.124C>T on transcript NM_001320.7 (MANE Select); coding-DNA position 124, C replaced by T.
Protein change: p.Gln42Ter; replaces glutamine 42 with a stop codon.
Molecular consequence: nonsense.
Genome position (GRCh38, 1-based): chr6:31,667,919, C>T. VCF-style: chr6-31667919-C-T. GRCh37 (hg19) VCF-style: chr6-31635696-C-T.
Other names: c.124C>T (NM_001320.6, NM_001320.5); c.124C>T, p.Gln42Ter (NM_001282385.2); short protein forms Q42*.
Identifiers: ClinVar variation 2581063 (VCV002581063.4), dbSNP rs1339457069, ClinGen allele CA363472078.
Genomic context (GRCh38, chr6:31,667,919, plus strand): 5'-TCCTGACAGGTGGATGAAGACTACATCCAGGACAAATTTAATCTTACTGGACTCAATGAG[C>T]AGGTCCCTCACTATCGACAAGCTCTAGACATGATCTTGGACCTGGAGCCTGGTGAGGCAC-3'